The following is an entry in ClinVar:

NM_018012.4(KIF26B):c.2136C>T (p.Leu712=)

Gene: KIF26B (kinesin family member 26B; plus strand). Cytogenetic location: 1q44.
Variant type: single nucleotide variant.
Coding change: c.2136C>T on transcript NM_018012.4 (MANE Select); coding-DNA position 2136, C replaced by T.
Protein change: p.Leu712=; no amino-acid change (leucine 712 retained).
Molecular consequence: synonymous variant.
Genome position (GRCh38, 1-based): chr1:245,646,158, C>T. VCF-style: chr1-245646158-C-T. GRCh37 (hg19) VCF-style: chr1-245809460-C-T.
Identifiers: ClinVar variation 3057386 (VCV003057386.2), dbSNP rs368743387, ClinGen allele CA1487895.

ClinVar aggregate classification (germline): Likely benign (0 of 4 stars; one submission).

Conditions:
KIF26B-related disorder. Also called: KIF26B-related condition.

Allele frequency attached by ClinVar (database versions not stated): TOPMed 0.00007; ESP Exome Variant Server 0.00008; gnomAD 0.00011.
gnomAD v4.1: 148 of 1,613,884 alleles (0.0092%); highest among the groups gnomAD compares: Non-Finnish European, 0.012%; no homozygotes.

Submission:

PreventionGenetics, part of Exact Sciences
Classification: Likely benign for KIF26B-related condition. Last evaluated: 2019-03-18. Review status: no assertion criteria provided. Collection method: clinical testing. Allele origin: germline.
Comment: This variant is classified as likely benign based on ACMG/AMP sequence variant interpretation guidelines (Richards et al. 2015 PMID: 25741868, with internal and published modifications).